The following is an entry in ClinVar:

ClinVar aggregate classification (germline): Uncertain significance (1 of 4 stars; one submission).

Submission:

Ambry Genetics
Classification: Uncertain significance. Last evaluated: 2024-10-29. Review status: criteria provided, single submitter. Criteria: Ambry Variant Classification Scheme 2023. Collection method: clinical testing. Allele origin: germline.
Comment: The p.P486T variant (also known as c.1456C>A), located in coding exon 15 of the KIF1B gene, results from a C to A substitution at nucleotide position 1456. The proline at codon 486 is replaced by threonine, an amino acid with highly similar properties. This amino acid position is highly conserved in available vertebrate species. In addition, this alteration is predicted to be deleterious by in silico analysis. The evidence for this gene-disease relationship is limited; therefore, the clinical significance of this alteration is unclear.

NM_001365951.3(KIF1B):c.1594C>A (p.Pro532Thr)

Gene: KIF1B (kinesin family member 1B; plus strand). Cytogenetic location: 1p36.22.
Variant type: single nucleotide variant.
Coding change: c.1594C>A on transcript NM_001365951.3 (MANE Select); coding-DNA position 1594, C replaced by A.
Protein change: p.Pro532Thr; replaces proline 532 with threonine.
Molecular consequence: missense variant.
Genome position (GRCh38, 1-based): chr1:10,295,089, C>A. VCF-style: chr1-10295089-C-A. GRCh37 (hg19) VCF-style: chr1-10355147-C-A.
Other names: c.1594C>A, p.Pro532Thr (NM_001365952.1); c.1456C>A, p.Pro486Thr (NM_001365953.1, NM_015074.3, NM_183416.4); short protein forms P486T, P532T.
Identifiers: ClinVar variation 1773058 (VCV001773058.3), dbSNP rs201500946, ClinGen allele CA338314299.